The following is an entry in ClinVar:

ClinVar aggregate classification (germline): Uncertain significance (1 of 4 stars; one submission).

Conditions:
Multiple acyl-CoA dehydrogenase deficiency (MADD). Also called: ETHYLMALONIC-ADIPICACIDURIA; GA II; Glutaric Acidemia type 2; Glutaric aciduria, type 2; Glutaric acidemia type II; GA 2. Identifiers: Orphanet 26791, MedGen C0268596, MONDO:0009282, OMIM 231680.

Allele frequency attached by ClinVar (database versions not stated): gnomAD exomes below 0.00001.
gnomAD v4.1: 1 of 1,610,990 alleles (0.000062%); highest among the groups gnomAD compares: Non-Finnish European, 0.000085%; no homozygotes.

Submission:

Labcorp Genetics (formerly Invitae), Labcorp
Classification: Uncertain significance for Multiple acyl-CoA dehydrogenase deficiency. Last evaluated: 2023-10-03. Review status: criteria provided, single submitter. Criteria: Invitae Variant Classification Sherloc (09022015). Collection method: clinical testing. Allele origin: germline.
Comment: This sequence change replaces glutamine, which is neutral and polar, with glutamic acid, which is acidic and polar, at codon 584 of the ETFDH protein (p.Gln584Glu). This variant is not present in population databases (gnomAD no frequency). This variant has not been reported in the literature in individuals affected with ETFDH-related conditions. ClinVar contains an entry for this variant (Variation ID: 2143152). Advanced modeling of protein sequence and biophysical properties (such as structural, functional, and spatial information, amino acid conservation, physicochemical variation, residue mobility, and thermodynamic stability) performed at Invitae indicates that this missense variant is expected to disrupt ETFDH protein function. In summary, the available evidence is currently insufficient to determine the role of this variant in disease. Therefore, it has been classified as a Variant of Uncertain Significance.

NM_004453.4(ETFDH):c.1750C>G (p.Gln584Glu)

Gene: ETFDH (electron transfer flavoprotein dehydrogenase; plus strand). Cytogenetic location: 4q32.1.
Variant type: single nucleotide variant.
Coding change: c.1750C>G on transcript NM_004453.4 (MANE Select); coding-DNA position 1750, C replaced by G.
Protein change: p.Gln584Glu; replaces glutamine 584 with glutamic acid.
Molecular consequence: missense variant.
Genome position (GRCh38, 1-based): chr4:158,708,423, C>G. VCF-style: chr4-158708423-C-G. GRCh37 (hg19) VCF-style: chr4-159629575-C-G.
Other names: c.1609C>G, p.Gln537Glu (NM_001281737.2); c.1567C>G, p.Gln523Glu (NM_001281738.1); short protein forms Q584E, Q523E, Q537E.
Identifiers: ClinVar variation 2143152 (VCV002143152.4), dbSNP rs2476741382, ClinGen allele CA358566581.